The following is an entry in ClinVar:

NM_020340.5(ARFGEF3):c.5410G>A (p.Ala1804Thr)

Gene: ARFGEF3 (ARFGEF family member 3; plus strand). Cytogenetic location: 6q24.1.
Variant type: single nucleotide variant.
Coding change: c.5410G>A on transcript NM_020340.5 (MANE Select); coding-DNA position 5410, G replaced by A.
Protein change: p.Ala1804Thr; replaces alanine 1804 with threonine.
Molecular consequence: missense variant.
Genome position (GRCh38, 1-based): chr6:138,334,256, G>A. VCF-style: chr6-138334256-G-A. GRCh37 (hg19) VCF-style: chr6-138655393-G-A.
Other names: short protein forms A1804T.
Identifiers: ClinVar variation 3058221 (VCV003058221.3), dbSNP rs201470794, ClinGen allele CA4021593.

ClinVar aggregate classification (germline): Uncertain significance. Review status: criteria provided, single submitter (1 of 4 stars). 2 submissions from 2 submitters: Uncertain significance (1). 1 of the submissions does not count toward it. Last evaluated 2021-06-11.

Conditions:
ARFGEF3-related disorder. Also called: ARFGEF3-related condition.

Allele frequency attached by ClinVar (database versions not stated): gnomAD 0.00017; ExAC 0.00020; gnomAD exomes 0.00022; TOPMed 0.00028.
gnomAD v4.1: 361 of 1,612,790 alleles (0.022%); highest among the groups gnomAD compares: Non-Finnish European, 0.015%; 1 homozygote.

Submissions (2):

Ambry Genetics
Classification: Uncertain significance. Last evaluated: 2021-06-11. Review status: criteria provided, single submitter. Criteria: Ambry Variant Classification Scheme 2023. Collection method: clinical testing. Allele origin: germline.

PreventionGenetics, part of Exact Sciences
Classification: Likely benign for ARFGEF3-related condition. Last evaluated: 2019-03-15. Review status: no assertion criteria provided. Collection method: clinical testing. Allele origin: germline. Not counted in ClinVar's aggregate classification.
Comment: This variant is classified as likely benign based on ACMG/AMP sequence variant interpretation guidelines (Richards et al. 2015 PMID: 25741868, with internal and published modifications).